The following is an entry in ClinVar:

ClinVar aggregate classification (germline): Uncertain significance (1 of 4 stars; one submission).

Allele frequency attached by ClinVar (database versions not stated): gnomAD 0.00001; gnomAD exomes 0.00001.
gnomAD v4.1: 4 of 1,613,752 alleles (0.00025%); highest among the groups gnomAD compares: Non-Finnish European, 0.00034%; no homozygotes.

Submission:

GeneDx
Classification: Uncertain significance. Last evaluated: 2017-06-22. Review status: criteria provided, single submitter. Criteria: GeneDx Variant Classification (06012015). Collection method: clinical testing. Allele origin: germline. Affected: yes.
Comment: The S458T variant in the SPAST gene has not been reported previously as a pathogenic variant, nor as a benign variant, to our knowledge. The S458T variant is not observed in large population cohorts (Lek et al., 2016; 1000 Genomes Consortium et al., 2015; Exome Variant Server). The S458T variant is a conservative amino acid substitution, which is not likely to impact secondary protein structure as these residues share similar properties. This substitution occurs at a position that is conserved across species. In silico analysis is inconsistent in its predictions as to whether or not the variant is damaging to the protein structure/function. We interpret S458T as a variant of uncertain significance.

NM_014946.4(SPAST):c.1373G>C (p.Ser458Thr)

Gene: SPAST (spastin; plus strand). Cytogenetic location: 2p22.3.
Variant type: single nucleotide variant.
Coding change: c.1373G>C on transcript NM_014946.4 (MANE Select); coding-DNA position 1373, G replaced by C.
Protein change: p.Ser458Thr; replaces serine 458 with threonine.
Molecular consequence: missense variant.
Genome position (GRCh38, 1-based): chr2:32,136,928, G>C. VCF-style: chr2-32136928-G-C. GRCh37 (hg19) VCF-style: chr2-32361997-G-C.
Other names: c.1370G>C, p.Ser457Thr (NM_001363823.2); c.1274G>C, p.Ser425Thr (NM_001363875.2); c.1277G>C, p.Ser426Thr (NM_001377959.1, NM_199436.2); short protein forms S458T, S426T, S425T, S457T.
Identifiers: ClinVar variation 432953 (VCV000432953.2), dbSNP rs562431619, ClinGen allele CA44749869.
Genomic context (GRCh38, chr2:32,136,928, plus strand): 5'-TTCCTCTAGATGAAGTTGATAGCCTTTTGTGTGAAAGAAGAGAAGGGGAGCACGATGCTA[G>C]TAGACGCCTAAAAACTGAATTTCTAATAGAATTTGATGGTGTAAGTGTTGATTATGATAT-3'
Protein context (NP_055761.2, residues 448-468): CERREGEHDA[Ser458Thr]RRLKTEFLIE